The following is an entry in ClinVar:

ClinVar aggregate classification (germline): Uncertain significance. Review status: criteria provided, multiple submitters, no conflicts (2 of 4 stars). 2 submissions from 2 submitters: Uncertain significance (2). Last evaluated 2026-03-21.

Conditions:
Cardiovascular phenotype. Identifiers: MedGen CN230736.
Osteogenesis imperfecta type I (OI1). Also called: OI, TYPE I; OSTEOGENESIS IMPERFECTA TARDA; OSTEOGENESIS IMPERFECTA WITH BLUE SCLERAE; Osteogenesis imperfecta type 1; Classic Non-deforming Osteogenesis Imperfecta with Blue Sclerae; Lobstein's Disease. Identifiers: Orphanet 216796, Orphanet 666, MedGen C0023931, MONDO:0008146, OMIM 166200. Disease mechanism: loss of function.

Allele frequency attached by ClinVar (database versions not stated): TOPMed below 0.00001.
gnomAD v4.1: 1 of 1,614,230 alleles (0.000062%); highest among the groups gnomAD compares: Non-Finnish European, 0.000085%; no homozygotes.

Submissions (2):

Ambry Genetics
Classification: Uncertain significance for Cardiovascular phenotype. Last evaluated: 2026-03-21. Review status: criteria provided, single submitter. Criteria: Ambry Variant Classification Scheme 2023. Collection method: clinical testing. Allele origin: germline.
Comment: The p.A637P variant (also known as c.1909G>C), located in coding exon 28 of the COL1A1 gene, results from a G to C substitution at nucleotide position 1909. The alanine at codon 637 is replaced by proline, an amino acid with highly similar properties. This amino acid position is conserved. In addition, the in silico prediction for this alteration is inconclusive. Based on the available evidence, the clinical significance of this variant remains unclear.

Labcorp Genetics (formerly Invitae), Labcorp
Classification: Uncertain significance for Osteogenesis imperfecta type I. Last evaluated: 2023-05-16. Review status: criteria provided, single submitter. Criteria: Invitae Variant Classification Sherloc (09022015). Collection method: clinical testing. Allele origin: germline.
Comment: In summary, the available evidence is currently insufficient to determine the role of this variant in disease. Therefore, it has been classified as a Variant of Uncertain Significance. Advanced modeling of protein sequence and biophysical properties (such as structural, functional, and spatial information, amino acid conservation, physicochemical variation, residue mobility, and thermodynamic stability) performed at Invitae indicates that this missense variant is not expected to disrupt COL1A1 protein function. ClinVar contains an entry for this variant (Variation ID: 2073797). This variant has not been reported in the literature in individuals affected with COL1A1-related conditions. This variant is not present in population databases (gnomAD no frequency). This sequence change replaces alanine, which is neutral and non-polar, with proline, which is neutral and non-polar, at codon 637 of the COL1A1 protein (p.Ala637Pro).

NM_000088.4(COL1A1):c.1909G>C (p.Ala637Pro)

Gene: COL1A1 (collagen type I alpha 1 chain; minus strand). Cytogenetic location: 17q21.33.
Variant type: single nucleotide variant.
Coding change: c.1909G>C on transcript NM_000088.4 (MANE Select); coding-DNA position 1909, G replaced by C.
Protein change: p.Ala637Pro; replaces alanine 637 with proline.
Molecular consequence: missense variant.
Genome position (GRCh38, 1-based): chr17:50,192,660, C>G on the plus strand (G>C on the coding strand, the complement: COL1A1 is on the minus strand). VCF-style: chr17-50192660-C-G. GRCh37 (hg19) VCF-style: chr17-48270021-C-G.
Other names: short protein forms A637P.
Identifiers: ClinVar variation 2073797 (VCV002073797.5), dbSNP rs981872135, ClinGen allele CA291544255.